The following is an entry in ClinVar:

NM_002691.4(POLD1):c.578G>A (p.Cys193Tyr)

Gene: POLD1 (DNA polymerase delta 1, catalytic subunit; plus strand). Cytogenetic location: 19q13.33.
Variant type: single nucleotide variant.
Coding change: c.578G>A on transcript NM_002691.4 (MANE Select); coding-DNA position 578, G replaced by A.
Protein change: p.Cys193Tyr; replaces cysteine 193 with tyrosine.
Molecular consequence: missense variant. On other transcripts: non-coding transcript variant (1).
Genome position (GRCh38, 1-based): chr19:50,402,113, G>A. VCF-style: chr19-50402113-G-A. GRCh37 (hg19) VCF-style: chr19-50905370-G-A.
Other names: c.578G>A, p.Cys193Tyr (NM_001256849.1, NM_001308632.1); short protein forms C193Y.
Identifiers: ClinVar variation 3010753 (VCV003010753.3), dbSNP rs2513960882, ClinGen allele CA406973461.

ClinVar aggregate classification (germline): Uncertain significance (1 of 4 stars; one submission).

Conditions:
POLD1-related polyposis and colorectal cancer syndrome (CRCS10). Also called: Colorectal cancer 10; COLORECTAL CANCER, SUSCEPTIBILITY TO, ON CHROMOSOME 19q; Colorectal cancer, susceptibility to, 10. Identifiers: Orphanet 220460, MedGen C2675481, MONDO:0012953, OMIM 612591.

Allele frequency attached by ClinVar (database versions not stated): gnomAD exomes below 0.00001.

Submission:

Labcorp Genetics (formerly Invitae), Labcorp
Classification: Uncertain significance for POLD1-related polyposis and colorectal cancer syndrome. Last evaluated: 2023-03-06. Review status: criteria provided, single submitter. Criteria: Invitae Variant Classification Sherloc (09022015). Collection method: clinical testing. Allele origin: germline.
Comment: This variant is not present in population databases (gnomAD no frequency). This variant has not been reported in the literature in individuals affected with POLD1-related conditions. Advanced modeling of protein sequence and biophysical properties (such as structural, functional, and spatial information, amino acid conservation, physicochemical variation, residue mobility, and thermodynamic stability) performed at Invitae indicates that this missense variant is not expected to disrupt POLD1 protein function. In summary, the available evidence is currently insufficient to determine the role of this variant in disease. Therefore, it has been classified as a Variant of Uncertain Significance. This sequence change replaces cysteine, which is neutral and slightly polar, with tyrosine, which is neutral and polar, at codon 193 of the POLD1 protein (p.Cys193Tyr).